The following is an entry in ClinVar:

ClinVar aggregate classification (germline): Uncertain significance (1 of 4 stars; one submission).

Submission:

Labcorp Genetics (formerly Invitae), Labcorp
Classification: Uncertain significance. Last evaluated: 2023-09-05. Review status: criteria provided, single submitter. Criteria: Invitae Variant Classification Sherloc (09022015). Collection method: clinical testing. Allele origin: germline.
Comment: In summary, the available evidence is currently insufficient to determine the role of this variant in disease. Therefore, it has been classified as a Variant of Uncertain Significance. Advanced modeling of protein sequence and biophysical properties (such as structural, functional, and spatial information, amino acid conservation, physicochemical variation, residue mobility, and thermodynamic stability) performed at Invitae indicates that this missense variant is not expected to disrupt APOA1 protein function. This variant has not been reported in the literature in individuals affected with APOA1-related conditions. This variant is not present in population databases (gnomAD no frequency). This sequence change replaces glutamic acid, which is acidic and polar, with aspartic acid, which is acidic and polar, at codon 163 of the APOA1 protein (p.Glu163Asp).

NM_000039.3(APOA1):c.489G>C (p.Glu163Asp)

Genes: APOA1 (apolipoprotein A1; minus strand), APOA1-AS (APOA1 antisense RNA; plus strand). Cytogenetic location: 11q23.3.
Variant type: single nucleotide variant.
Coding change: c.489G>C on transcript NM_000039.3 (MANE Select); coding-DNA position 489, G replaced by C.
Protein change: p.Glu163Asp; replaces glutamic acid 163 with aspartic acid.
Molecular consequence: missense variant. On other transcripts: non-coding transcript variant (1).
Genome position (GRCh38, 1-based): chr11:116,836,123, C>G on the plus strand (G>C on the coding strand, the complement: APOA1 is on the minus strand). VCF-style: chr11-116836123-C-G. GRCh37 (hg19) VCF-style: chr11-116706839-C-G.
Other names: c.162G>C, p.Glu54Asp (NM_001425092.1, NM_001318021.2, NM_001425091.1); c.444G>C, p.Glu148Asp (NM_001425093.1); c.489G>C, p.Glu163Asp (NM_001318017.2, NM_001318018.2, NM_001425090.1); short protein forms E148D, E54D, E163D.
Identifiers: ClinVar variation 3012795 (VCV003012795.3), dbSNP rs2540289378, ClinGen allele CA382715538.